The following is an entry in ClinVar:

NM_001287.6(CLCN7):c.811C>T (p.Arg271Ter)

Gene: CLCN7 (chloride voltage-gated channel 7; minus strand). Cytogenetic location: 16p13.3.
Variant type: single nucleotide variant.
Coding change: c.811C>T on transcript NM_001287.6 (MANE Select); coding-DNA position 811, C replaced by T.
Protein change: p.Arg271Ter; replaces arginine 271 with a stop codon.
Molecular consequence: nonsense.
Genome position (GRCh38, 1-based): chr16:1,457,265, G>A on the plus strand (C>T on the coding strand, the complement: CLCN7 is on the minus strand). VCF-style: chr16-1457265-G-A. GRCh37 (hg19) VCF-style: chr16-1507266-G-A.
Other names: c.739C>T, p.Arg247Ter (NM_001114331.3); short protein forms R271*, R247*.
Identifiers: ClinVar variation 2137756 (VCV002137756.4), dbSNP rs751150295, ClinGen allele CA7810570.

ClinVar aggregate classification (germline): Pathogenic (1 of 4 stars; one submission).

Allele frequency attached by ClinVar (database versions not stated): gnomAD exomes below 0.00001; ExAC 0.00001; gnomAD 0.00001.
gnomAD v4.1: 3 of 1,613,790 alleles (0.00019%); highest among the groups gnomAD compares: East Asian, 0.0022%; no homozygotes.

Submission:

Labcorp Genetics (formerly Invitae), Labcorp
Classification: Pathogenic. Last evaluated: 2022-04-29. Review status: criteria provided, single submitter. Criteria: Invitae Variant Classification Sherloc (09022015). Collection method: clinical testing. Allele origin: germline.
Comment: This premature translational stop signal has been observed in individual(s) with autosomal recessive osteopetrosis (PMID: 19953639). For these reasons, this variant has been classified as Pathogenic. This sequence change creates a premature translational stop signal (p.Arg271*) in the CLCN7 gene. It is expected to result in an absent or disrupted protein product. Loss-of-function variants in CLCN7 are known to be pathogenic (PMID: 14584882, 19953639). The frequency data for this variant in the population databases is considered unreliable, as metrics indicate poor data quality at this position in the gnomAD database.

Literature cited by the submitters: PubMed 19953639; PubMed 14584882.